The following is an entry in ClinVar:

NM_004304.5(ALK):c.3978A>G (p.Gly1326=)

Gene: ALK (ALK receptor tyrosine kinase; minus strand). Cytogenetic location: 2p23.2.
Variant type: single nucleotide variant.
Coding change: c.3978A>G on transcript NM_004304.5 (MANE Select); coding-DNA position 3978, A replaced by G.
Protein change: p.Gly1326=; no amino-acid change (glycine 1326 retained).
Molecular consequence: synonymous variant.
Genome position (GRCh38, 1-based): chr2:29,197,637, T>C on the plus strand (A>G on the coding strand, the complement: ALK is on the minus strand). VCF-style: chr2-29197637-T-C. GRCh37 (hg19) VCF-style: chr2-29420503-T-C.
Other names: c.774A>G, p.Gly258= (NM_001353765.2).
Identifiers: ClinVar variation 470860 (VCV000470860.13), dbSNP rs200256900, ClinGen allele CA44638113.

ClinVar aggregate classification (germline): Uncertain significance. Review status: criteria provided, multiple submitters, no conflicts (2 of 4 stars). 2 submissions from 2 submitters: Uncertain significance (2). Last evaluated 2026-01-20.

Conditions:
Hereditary cancer-predisposing syndrome. Also called: Hereditary neoplastic syndrome; Neoplastic Syndromes, Hereditary; Tumor predisposition; Hereditary Cancer Syndrome. Identifiers: Orphanet 140162, MedGen C0027672, MeSH D009386, MONDO:0015356.
Neuroblastoma, susceptibility to, 3. Also called: ALK-Related Neuroblastic Tumor Susceptibility. Identifiers: Orphanet 635, MedGen C2751681, MONDO:0013083, OMIM 613014.

Allele frequency attached by ClinVar (database versions not stated): gnomAD exomes below 0.00001 and 0.00001; TOPMed below 0.00001; gnomAD 0.00001.
gnomAD v4.1: 7 of 1,613,820 alleles (0.00043%); highest among the groups gnomAD compares: Admixed American, 0.0017%; no homozygotes.

Submissions (2):

Labcorp Genetics (formerly Invitae), Labcorp
Classification: Uncertain significance for Neuroblastoma, susceptibility to, 3. Last evaluated: 2026-01-20. Review status: criteria provided, single submitter. Criteria: Invitae Variant Classification Sherloc (09022015). Collection method: clinical testing. Allele origin: germline.
Comment: This sequence change affects codon 1326 of the ALK mRNA. It is a 'silent' change, meaning that it does not change the encoded amino acid sequence of the ALK protein. This variant is present in population databases (rs200256900, gnomAD 0.003%). This variant has not been reported in the literature in individuals affected with ALK-related conditions. ClinVar contains an entry for this variant (Variation ID: 470860). Algorithms developed to predict the effect of sequence changes on RNA splicing suggest that this variant may disrupt the consensus splice site. In summary, the available evidence is currently insufficient to determine the role of this variant in disease. Therefore, it has been classified as a Variant of Uncertain Significance.

Ambry Genetics
Classification: Uncertain significance for Hereditary cancer-predisposing syndrome. Last evaluated: 2024-10-21. Review status: criteria provided, single submitter. Criteria: Ambry Variant Classification Scheme 2023. Collection method: clinical testing. Allele origin: germline.
Comment: The c.3978A>G variant (also known as p.G1326G) is located in coding exon 27 of the ALK gene. This variant results from an A to G substitution at nucleotide position 3978. This nucleotide substitution does not change the gylcine at codon 1326. This nucleotide position is not well conserved in available vertebrate species. In silico splice site analysis for this alteration is inconclusive. Since supporting evidence is limited at this time, the clinical significance of this alteration remains unclear.